The following is an entry in ClinVar:

ClinVar aggregate classification (germline): Uncertain significance (1 of 4 stars; one submission).

Submission:

Labcorp Genetics (formerly Invitae), Labcorp
Classification: Uncertain significance. Last evaluated: 2024-03-02. Review status: criteria provided, single submitter. Criteria: Invitae Variant Classification Sherloc (09022015). Collection method: clinical testing. Allele origin: germline.
Comment: This sequence change replaces tyrosine, which is neutral and polar, with serine, which is neutral and polar, at codon 991 of the MSH3 protein (p.Tyr991Ser). This variant is not present in population databases (gnomAD no frequency). This variant has not been reported in the literature in individuals affected with MSH3-related conditions. An algorithm developed to predict the effect of missense changes on protein structure and function (PolyPhen-2) suggests that this variant is likely to be disruptive. In summary, the available evidence is currently insufficient to determine the role of this variant in disease. Therefore, it has been classified as a Variant of Uncertain Significance.

NM_002439.5(MSH3):c.2972A>C (p.Tyr991Ser)

Gene: MSH3 (mutS homolog 3; plus strand). Cytogenetic location: 5q14.1.
Variant type: single nucleotide variant.
Coding change: c.2972A>C on transcript NM_002439.5 (MANE Select); coding-DNA position 2972, A replaced by C.
Protein change: p.Tyr991Ser; replaces tyrosine 991 with serine.
Molecular consequence: missense variant.
Genome position (GRCh38, 1-based): chr5:80,854,288, A>C. VCF-style: chr5-80854288-A-C. GRCh37 (hg19) VCF-style: chr5-80150107-A-C.
Other names: short protein forms Y991S.
Identifiers: ClinVar variation 3644150 (VCV003644150.2).